The following is an entry in ClinVar:

NM_182493.3(MYLK3):c.1282C>T (p.Pro428Ser)

Gene: MYLK3 (myosin light chain kinase 3; minus strand). Cytogenetic location: 16q11.2.
Variant type: single nucleotide variant.
Coding change: c.1282C>T on transcript NM_182493.3 (MANE Select); coding-DNA position 1282, C replaced by T.
Protein change: p.Pro428Ser; replaces proline 428 with serine.
Molecular consequence: missense variant.
Genome position (GRCh38, 1-based): chr16:46,732,388, G>A on the plus strand (C>T on the coding strand, the complement: MYLK3 is on the minus strand). VCF-style: chr16-46732388-G-A. GRCh37 (hg19) VCF-style: chr16-46766300-G-A.
Other names: c.259C>T, p.Pro87Ser (NM_001308301.1); short protein forms P87S, P428S.
Identifiers: ClinVar variation 2856480 (VCV002856480.3), dbSNP rs1311084294, ClinGen allele CA395792416.

ClinVar aggregate classification (germline): Uncertain significance (1 of 4 stars; one submission).

gnomAD v4.1: 2 of 1,613,688 alleles (0.00012%); highest among the groups gnomAD compares: South Asian, 0.0011%; no homozygotes.

Submission:

Labcorp Genetics (formerly Invitae), Labcorp
Classification: Uncertain significance. Last evaluated: 2023-05-23. Review status: criteria provided, single submitter. Criteria: Invitae Variant Classification Sherloc (09022015). Collection method: clinical testing. Allele origin: germline.
Comment: This sequence change replaces proline, which is neutral and non-polar, with serine, which is neutral and polar, at codon 428 of the MYLK3 protein (p.Pro428Ser). This variant is present in population databases (no rsID available, gnomAD 0.0009%). This variant has not been reported in the literature in individuals affected with MYLK3-related conditions. An algorithm developed to predict the effect of missense changes on protein structure and function (PolyPhen-2) suggests that this variant is likely to be tolerated. In summary, the available evidence is currently insufficient to determine the role of this variant in disease. Therefore, it has been classified as a Variant of Uncertain Significance.